The following is an entry in ClinVar:

NM_001111.5(ADAR):c.2832G>T (p.Lys944Asn)

Gene: ADAR (adenosine deaminase RNA specific; minus strand). Cytogenetic location: 1q21.3.
Variant type: single nucleotide variant.
Coding change: c.2832G>T on transcript NM_001111.5 (MANE Select); coding-DNA position 2832, G replaced by T.
Protein change: p.Lys944Asn; replaces lysine 944 with asparagine.
Molecular consequence: missense variant.
Genome position (GRCh38, 1-based): chr1:154,588,604, C>A on the plus strand (G>T on the coding strand, the complement: ADAR is on the minus strand). VCF-style: chr1-154588604-C-A. GRCh37 (hg19) VCF-style: chr1-154561080-C-A.
Other names: c.1947G>T, p.Lys649Asn (NM_001025107.3, NM_001193495.2, NM_001365046.1 and 2 more transcripts); c.2859G>T, p.Lys953Asn (NM_001365045.1); c.1869G>T, p.Lys623Asn (NM_001365049.1); c.2754G>T, p.Lys918Asn (NM_015840.4); c.2697G>T, p.Lys899Asn (NM_015841.4); short protein forms K899N, K953N, K623N, K649N, K918N, K944N.
Identifiers: ClinVar variation 1977053 (VCV001977053.5), dbSNP rs763453697, ClinGen allele CA342636346.

ClinVar aggregate classification (germline): Uncertain significance (1 of 4 stars; one submission).

Conditions:
Symmetrical dyschromatosis of extremities (DSH). Also called: RETICULATE ACROPIGMENTATION OF DOHI; SYMMETRIC DYSCHROMATOSIS OF THE EXTREMITIES; Dyschromatosis symmetrica hereditaria; DYSCHROMATOSIS SYMMETRICA HEREDITARIA 1. Identifiers: Orphanet 41, MedGen C0406775, MONDO:0007483, OMIM 127400.
Aicardi-Goutieres syndrome 6 (AGS6). Identifiers: Orphanet 51, MedGen C3539013, MONDO:0014007, OMIM 615010.

gnomAD v4.1: 17 of 1,614,146 alleles (0.0011%); highest among the groups gnomAD compares: Non-Finnish European, 0.0014%; no homozygotes.

Submission:

Labcorp Genetics (formerly Invitae), Labcorp
Classification: Uncertain significance for Aicardi-Goutieres syndrome 6; Symmetrical dyschromatosis of extremities. Last evaluated: 2025-07-27. Review status: criteria provided, single submitter. Criteria: Invitae Variant Classification Sherloc (09022015). Collection method: clinical testing. Allele origin: germline.
Comment: This sequence change replaces lysine, which is basic and polar, with asparagine, which is neutral and polar, at codon 944 of the ADAR protein (p.Lys944Asn). This variant is present in population databases (no rsID available, gnomAD 0.002%). This variant has not been reported in the literature in individuals affected with ADAR-related conditions. ClinVar contains an entry for this variant (Variation ID: 1977053). Invitae Evidence Modeling of protein sequence and biophysical properties (such as structural, functional, and spatial information, amino acid conservation, physicochemical variation, residue mobility, and thermodynamic stability) indicates that this missense variant is not expected to disrupt ADAR protein function with a negative predictive value of 80%. In summary, the available evidence is currently insufficient to determine the role of this variant in disease. Therefore, it has been classified as a Variant of Uncertain Significance.